The following is an entry in ClinVar:

ClinVar aggregate classification (germline): Uncertain significance (1 of 4 stars; one submission).

gnomAD v4.1: 1 of 1,610,440 alleles (0.000062%); highest among the groups gnomAD compares: Non-Finnish European, 0.000085%; no homozygotes.

Submission:

GeneDx
Classification: Uncertain significance. Last evaluated: 2024-10-25. Review status: criteria provided, single submitter. Criteria: GeneDx Variant Classification Process June 2021. Collection method: clinical testing. Allele origin: germline. Affected: yes.
Comment: Not observed at significant frequency in large population cohorts (gnomAD); In silico analysis supports that this missense variant has a deleterious effect on protein structure/function; Has not been previously published as pathogenic or benign to our knowledge

NM_172362.3(KCNH1):c.590A>G (p.Gln197Arg)

Gene: KCNH1 (potassium voltage-gated channel subfamily H member 1; minus strand). Cytogenetic location: 1q32.2.
Variant type: single nucleotide variant.
Coding change: c.590A>G on transcript NM_172362.3 (MANE Select); coding-DNA position 590, A replaced by G.
Protein change: p.Gln197Arg; replaces glutamine 197 with arginine.
Molecular consequence: missense variant.
Genome position (GRCh38, 1-based): chr1:211,019,225, T>C on the plus strand (A>G on the coding strand, the complement: KCNH1 is on the minus strand). VCF-style: chr1-211019225-T-C. GRCh37 (hg19) VCF-style: chr1-211192567-T-C.
Other names: c.590A>G, p.Gln197Arg (NM_002238.4); short protein forms Q197R.
Identifiers: ClinVar variation 3893616 (VCV003893616.1).
Genomic context (GRCh38, chr1:211,019,225, plus strand): 5'-TTAAAAACACAATAATGTAAGATGATGTGAGGGGGAGTCTTTGGTGCCTCTTGCTTGTAC[T>C]GGGGAAGGATGTCTGAGCCCAGCTGTAGGACCTGTACAGAAAAACATGACCAAGAGAGAA-3'
Protein context (NP_758872.1, residues 187-207): VLQLGSDILP[Gln197Arg]YKQEAPKTPP